The following is an entry in ClinVar:

NC_012920.1(MT-ND6):m.14468T>C

Gene: MT-ND6 (mitochondrially encoded NADH dehydrogenase 6; minus strand).
Variant type: single nucleotide variant.
Genome position: chrM-14468-T-C.
Identifiers: ClinVar variation 693728 (VCV000693728.1), dbSNP rs1603224744, ClinGen allele CA414822619.
Genomic context (GRCh38, chrMT:14,468, plus strand): 5'-AAGACCTCAACCCCTGACCCCCATGCCTCAGGATACTCCTCAATAGCCATCGCTGTAGTA[T>C]ATCCAAAGACAACCATCATTCCCCCTAAATAAATTAAAAAAACTATTAAACCCATATAAC-3'

ClinVar aggregate classification (germline): Uncertain significance (1 of 4 stars; one submission).

Conditions:
Leigh syndrome (NULS). Also called: Leigh's necrotizing encephalopathy; Leigh's disease; Leigh's syndrome; LEIGH SYNDROME, NUCLEAR; Leigh Syndrome (mtDNA deletion); Leigh Disease. Identifiers: Orphanet 506, MedGen C2931891, MONDO:0009723, OMIM 256000.

Submission:

Wong Mito Lab, Molecular and Human Genetics, Baylor College of Medicine
Classification: Uncertain significance for Leigh syndrome. Last evaluated: 2019-10-17. Review status: criteria provided, single submitter. Criteria: Modified ACMG Guidelines (Unpublished). Collection method: clinical testing. Allele origin: germline.
Comment: The NC_012920.1:m.14468T>C (YP_003024037.1:p.Tyr69Cys) variant in MTND6 gene is interpretated to be a Uncertain Significance variant based on the modified ACMG guidelines (unpublished). This variant meets the following evidence codes: PP7